The following is an entry in ClinVar:

ClinVar aggregate classification (germline): Likely pathogenic (1 of 4 stars; one submission).

Submission:

GeneDx
Classification: Likely pathogenic. Last evaluated: 2015-07-09. Review status: criteria provided, single submitter. Criteria: GeneDx Variant Classification (06012015). Collection method: clinical testing. Allele origin: germline. Affected: yes.
Comment: The Q885X variant in the POLR3A gene has not been reported previously as a disease-causing variant nor as a benign polymorphism. Specifically, this variant was not observed in approximately 6500 individuals of European and African American ancestry in the NHLBI Exome Sequencing Project, indicating it is not a common benign variant in these populations. The Q885X variant is predicted to cause loss of normal protein function either through protein truncation or nonsense-mediated mRNA decay. Although the majority of pathogenic variants in POLR3A are missense changes, there are numerous other protein truncation variants reported in the Human Gene Mutation Database (Stenson et al., 2014). Therefore, Q885X variant is a strong candidate for a disease-causing variant

NM_007055.4(POLR3A):c.2653C>T (p.Gln885Ter)

Gene: POLR3A (RNA polymerase III subunit A; minus strand). Cytogenetic location: 10q22.3.
Variant type: single nucleotide variant.
Coding change: c.2653C>T on transcript NM_007055.4 (MANE Select); coding-DNA position 2653, C replaced by T.
Protein change: p.Gln885Ter; replaces glutamine 885 with a stop codon.
Molecular consequence: nonsense.
Genome position (GRCh38, 1-based): chr10:77,993,331, G>A on the plus strand (C>T on the coding strand, the complement: POLR3A is on the minus strand). VCF-style: chr10-77993331-G-A. GRCh37 (hg19) VCF-style: chr10-79753089-G-A.
Other names: short protein forms Q885*.
Identifiers: ClinVar variation 427068 (VCV000427068.2), dbSNP rs1085307939, ClinGen allele CA377334575.